The following is an entry in ClinVar:

NM_153717.3(EVC):c.1158_1159insACTGTCTCTTATA (p.Leu387fs)

Gene: EVC (EvC ciliary complex subunit 1; plus strand). Cytogenetic location: 4p16.2.
Variant type: Insertion.
Coding change: c.1158_1159insACTGTCTCTTATA on transcript NM_153717.3 (MANE Select); coding-DNA positions 1158 to 1159, ACTGTCTCTTATA inserted.
Protein change: p.Leu387fs; shifts the reading frame from leucine 387.
Molecular consequence: frameshift variant.
Genome position: GRCh38 VCF-style: chr4-5752895-G-GACTGTCTCTTATA. GRCh37 (hg19) VCF-style: chr4-5754622-G-GACTGTCTCTTATA.
Other names: c.1158_1159insACTGTCTCTTATA, p.Leu387fs (NM_001306090.2, NM_001306092.2); short protein forms L387fs.
Identifiers: ClinVar variation 1726474 (VCV001726474.2), dbSNP rs2475381257, ClinGen allele CA2580070822.
Genomic context (GRCh38, chr4:5,752,895, plus strand): 5'-GGACGCCCTGGAGAGGACGATGGGGCGGGCGCACATGGCAAAAGTGATTGAGTTTCTGAA[G>GACTGTCTCTTATA]CTGCAAGTCCAGGAGGAGACCAGGTGCCGGCTGGCTGCCATCTCCCACGGCCTGGAGCTG-3'

ClinVar aggregate classification (germline): Likely pathogenic (1 of 4 stars; one submission).

Conditions:
Ellis-van Creveld syndrome (EVC). Also called: EVC-Related Ellis-van Creveld Syndrome; EVC2-Related Ellis-van Creveld Syndrome; MESOECTODERMAL DYSPLASIA; Chondroectodermal dysplasia. Identifiers: Orphanet 289, MedGen C0013903, MONDO:0009162, OMIM 225500.

Submission:

Myriad Genetics, Inc.
Classification: Likely pathogenic for Ellis-van Creveld syndrome. Last evaluated: 2021-12-17. Review status: criteria provided, single submitter. Criteria: Myriad Women's Health Autosomal Recessive and X-Linked Classification Criteria (2021). Collection method: clinical testing. Allele origin: unknown.
Comment: NM_153717.2(EVC):c.1158_1159ins13(L387Tfs*28) is expected to be pathogenic in the context of EVC-related Ellis-van Creveld syndrome. This variant is predicted to lead to an abnormal or absent protein product due to the creation of a premature termination codon in EVC, a gene where loss-of-function variants are known to be pathogenic. Please note: this variant was assessed in the context of healthy population screening.